The following is an entry in ClinVar:

NM_006767.4(LZTR1):c.1477C>T (p.Pro493Ser)

Gene: LZTR1 (leucine zipper like post translational regulator 1; plus strand). Cytogenetic location: 22q11.21.
Variant type: single nucleotide variant.
Coding change: c.1477C>T on transcript NM_006767.4 (MANE Select); coding-DNA position 1477, C replaced by T.
Protein change: p.Pro493Ser; replaces proline 493 with serine.
Molecular consequence: missense variant.
Genome position (GRCh38, 1-based): chr22:20,994,131, C>T. VCF-style: chr22-20994131-C-T. GRCh37 (hg19) VCF-style: chr22-21348420-C-T.
Other names: short protein forms P493S.
Identifiers: ClinVar variation 1773480 (VCV001773480.7), dbSNP rs2518620760, ClinGen allele CA410775549.
Genomic context (GRCh38, chr22:20,994,131, plus strand): 5'-CTGGGGTGTCCTTGAGCTCCCTTCTCCCCACAGAAGCTGGAGCAGGAGGCCGCCCCAGTT[C>T]CCAGGGAGGCCCCCGGCGTGGCTGCTGGTGGGGCCCGGCCGCCCCTGCTGCACGTGGCCA-3'
Protein context (NP_006758.2, residues 483-503): QKLEQEAAPV[Pro493Ser]REAPGVAAGG

ClinVar aggregate classification (germline): Conflicting classifications of pathogenicity. Review status: criteria provided, conflicting classifications (1 of 4 stars). 3 submissions from 3 submitters: Uncertain significance (2); Likely benign (1). Last evaluated 2025-11-17.

Conditions:
Cardiovascular phenotype. Identifiers: MedGen CN230736.
Hereditary cancer-predisposing syndrome. Also called: Neoplastic Syndromes, Hereditary; Tumor predisposition; Hereditary neoplastic syndrome; Hereditary Cancer Syndrome. Identifiers: Orphanet 140162, MedGen C0027672, MeSH D009386, MONDO:0015356.

Allele frequency attached by ClinVar (database versions not stated): gnomAD exomes below 0.00001.
gnomAD v4.1: 1 of 1,587,496 alleles (0.000063%); no homozygotes.

Submissions (3):

Dasa
Classification: Uncertain significance. Last evaluated: 2025-11-17. Review status: criteria provided, single submitter. Criteria: DASA Assertion Criteria. Collection method: clinical testing. Allele origin: germline.
Comment: NM_006767.4(LZTR1):c.1477C>T (p.Pro493Ser) is a missense variant that results in the substitution of proline with serine. This variant is rare in population databases. Computational prediction algorithms are consistent with a benign effect. The currently available literature and clinical evidence are not sufficient to establish a definitive association between this variant and the reported condition. Therefore, this variant is classified as a variant of uncertain significance.

Labcorp Genetics (formerly Invitae), Labcorp
Classification: Uncertain significance. Last evaluated: 2025-02-04. Review status: criteria provided, single submitter. Criteria: Invitae Variant Classification Sherloc (09022015). Collection method: clinical testing. Allele origin: germline.
Comment: This sequence change replaces proline, which is neutral and non-polar, with serine, which is neutral and polar, at codon 493 of the LZTR1 protein (p.Pro493Ser). This variant is not present in population databases (gnomAD no frequency). This variant has not been reported in the literature in individuals affected with LZTR1-related conditions. ClinVar contains an entry for this variant (Variation ID: 1773480). Invitae Evidence Modeling of protein sequence and biophysical properties (such as structural, functional, and spatial information, amino acid conservation, physicochemical variation, residue mobility, and thermodynamic stability) indicates that this missense variant is not expected to disrupt LZTR1 protein function with a negative predictive value of 80%. In summary, the available evidence is currently insufficient to determine the role of this variant in disease. Therefore, it has been classified as a Variant of Uncertain Significance.

Ambry Genetics
Classification: Likely benign for Cardiovascular phenotype; Hereditary cancer-predisposing syndrome. Last evaluated: 2024-09-12. Review status: criteria provided, single submitter. Criteria: Ambry Variant Classification Scheme 2023. Collection method: clinical testing. Allele origin: germline.